The following is an entry in ClinVar:

NM_182641.4(BPTF):c.468G>C (p.Gln156His)

Genes: BPTF (bromodomain PHD finger transcription factor; plus strand), LOC130061496 (ATAC-STARR-seq lymphoblastoid active region 12632; plus strand). Cytogenetic location: 17q24.2.
Variant type: single nucleotide variant.
Coding change: c.468G>C on transcript NM_182641.4 (MANE Select); coding-DNA position 468, G replaced by C.
Protein change: p.Gln156His; replaces glutamine 156 with histidine.
Molecular consequence: missense variant.
Genome position (GRCh38, 1-based): chr17:67,826,192, G>C. VCF-style: chr17-67826192-G-C. GRCh37 (hg19) VCF-style: chr17-65822308-G-C.
Other names: c.468G>C, p.Gln156His (NM_004459.7); short protein forms Q156H.
Identifiers: ClinVar variation 2648125 (VCV002648125.25), dbSNP rs2509402770, ClinGen allele CA400716039.
Genomic context (GRCh38, chr17:67,826,192, plus strand): 5'-AGAGGAGGACATGGTCTCCGAGGAGGAGGAGGAGGAGGACGGCGACGCCGAGGAGACCCA[G>C]GATTCTGAGGACGACGAGGAGGATGAGATGGAAGAGGACGACGATGACTCCGATTATCCG-3'
Protein context (NP_872579.2, residues 146-166): EEEDGDAEET[Gln156His]DSEDDEEDEM

ClinVar aggregate classification (germline): Uncertain significance. Review status: criteria provided, multiple submitters, no conflicts (2 of 4 stars). 2 submissions from 2 submitters: Uncertain significance (2). Last evaluated 2025-08-04.

Allele frequency attached by ClinVar (database versions not stated): gnomAD exomes below 0.00001.
gnomAD v4.1: 3 of 1,611,122 alleles (0.00019%); highest among the groups gnomAD compares: South Asian, 0.0022%; no homozygotes.

Submissions (2):

Labcorp Genetics (formerly Invitae), Labcorp
Classification: Uncertain significance. Last evaluated: 2025-08-04. Review status: criteria provided, single submitter. Criteria: Invitae Variant Classification Sherloc (09022015). Collection method: clinical testing. Allele origin: germline.
Comment: This sequence change replaces glutamine, which is neutral and polar, with histidine, which is basic and polar, at codon 156 of the BPTF protein (p.Gln156His). This variant is not present in population databases (gnomAD no frequency). This variant has not been reported in the literature in individuals affected with BPTF-related conditions. ClinVar contains an entry for this variant (Variation ID: 2648125). Experimental studies and prediction algorithms are not available or were not evaluated, and the functional significance of this variant is currently unknown. In summary, the available evidence is currently insufficient to determine the role of this variant in disease. Therefore, it has been classified as a Variant of Uncertain Significance.

CeGaT Center for Human Genetics Tuebingen
Classification: Uncertain significance. Last evaluated: 2023-06-01. Review status: criteria provided, single submitter. Criteria: CeGaT Center For Human Genetics Tuebingen Variant Classification Criteria Version 2. Collection method: clinical testing. Allele origin: germline. Affected: yes. Observed: 1 variant allele.
Comment: BPTF: PM2, PP2